The following is an entry in ClinVar:

NM_001199107.2(TBC1D24):c.448G>A (p.Glu150Lys)

Gene: TBC1D24 (TBC1 domain family member 24; plus strand). Cytogenetic location: 16p13.3.
Variant type: single nucleotide variant.
Coding change: c.448G>A on transcript NM_001199107.2 (MANE Select); coding-DNA position 448, G replaced by A.
Protein change: p.Glu150Lys; replaces glutamic acid 150 with lysine.
Molecular consequence: missense variant.
Genome position (GRCh38, 1-based): chr16:2,496,596, G>A. VCF-style: chr16-2496596-G-A. GRCh37 (hg19) VCF-style: chr16-2546597-G-A.
Other names: c.448G>A, p.Glu150Lys (NM_020705.3); short protein forms E150K.
Identifiers: ClinVar variation 1707894 (VCV001707894.31), dbSNP rs777248380, ClinGen allele CA7844006.
Genomic context (GRCh38, chr16:2,496,596, plus strand): 5'-TTCTGCCCCGCCCTGCCGGCCGTGGTGGCCCTGCTGCTGCACTACAGCATCGACGAGGCC[G>A]AGTGCTTCGAGAAGGCCTGCCGCATCCTGGCCTGCAATGACCCCGGCAGGAGGCTGATCG-3'
Protein context (NP_001186036.1, residues 140-160): LLLHYSIDEA[Glu150Lys]CFEKACRILA

ClinVar aggregate classification (germline): Uncertain significance. Review status: criteria provided, multiple submitters, no conflicts (2 of 4 stars). 4 submissions from 4 submitters: Uncertain significance (4). Last evaluated 2026-01-22.

Conditions:
Developmental and epileptic encephalopathy, 1 (DEE1). Also called: Epileptic encephalopathy, early infantile, 1; INFANTILE SPASM SYNDROME, X-LINKED 1; X-linked infantile spasms; West's syndrome; Tonic spasms with clustering, arrest of psychomotor development and hypsarrhythmia on EEG; X-Linked Infantile Spasm Syndrome. Identifiers: MedGen C3463992, MONDO:0010632, OMIM 308350. Disease mechanism: loss of function.
Autosomal dominant nonsyndromic hearing loss 65. Also called: TBC1D24-Related Autosomal Dominant Nonsyndromic Hearing Loss (DFNA); Deafness, autosomal dominant 65. Identifiers: Orphanet 90635, MedGen C3892048, MONDO:0014470, OMIM 616044.

Allele frequency attached by ClinVar (database versions not stated): TOPMed below 0.00001; ExAC 0.00001; gnomAD 0.00001.
gnomAD v4.1: 15 of 1,609,814 alleles (0.00093%); highest among the groups gnomAD compares: East Asian, 0.0022%; no homozygotes.

Submissions (4):

Labcorp Genetics (formerly Invitae), Labcorp
Classification: Uncertain significance for Developmental and epileptic encephalopathy, 1; Autosomal dominant nonsyndromic hearing loss 65. Last evaluated: 2026-01-22. Review status: criteria provided, single submitter. Criteria: Invitae Variant Classification Sherloc (09022015). Collection method: clinical testing. Allele origin: germline.
Comment: This sequence change replaces glutamic acid, which is acidic and polar, with lysine, which is basic and polar, at codon 150 of the TBC1D24 protein (p.Glu150Lys). This variant is present in population databases (rs777248380, gnomAD 0.002%). This variant has not been reported in the literature in individuals affected with TBC1D24-related conditions. ClinVar contains an entry for this variant (Variation ID: 1707894). Invitae Evidence Modeling of protein sequence and biophysical properties (such as structural, functional, and spatial information, amino acid conservation, physicochemical variation, residue mobility, and thermodynamic stability) indicates that this missense variant is not expected to disrupt TBC1D24 protein function with a negative predictive value of 80%. In summary, the available evidence is currently insufficient to determine the role of this variant in disease. Therefore, it has been classified as a Variant of Uncertain Significance.

Blueprint Genetics
Classification: Uncertain significance. Last evaluated: 2024-08-14. Review status: criteria provided, single submitter. Criteria: ACMG Guidelines, 2015. Collection method: clinical testing. Allele origin: germline.

CeGaT Center for Human Genetics Tuebingen
Classification: Uncertain significance. Last evaluated: 2023-07-01. Review status: criteria provided, single submitter. Criteria: CeGaT Center For Human Genetics Tuebingen Variant Classification Criteria Version 2. Collection method: clinical testing. Allele origin: germline. Affected: yes. Observed: 1 variant allele.
Comment: TBC1D24: PM2, BP4

GeneDx
Classification: Uncertain significance. Last evaluated: 2022-03-31. Review status: criteria provided, single submitter. Criteria: GeneDx Variant Classification Process June 2021. Collection method: clinical testing. Allele origin: germline. Affected: yes.
Comment: Not observed at significant frequency in large population cohorts (gnomAD); In silico analysis supports that this missense variant has a deleterious effect on protein structure/function; Has not been previously published as pathogenic or benign to our knowledge